The following is an entry in ClinVar:

NM_024675.4(PALB2):c.2383C>T (p.Gln795Ter)

Gene: PALB2 (partner and localizer of BRCA2; minus strand). Cytogenetic location: 16p12.2.
Variant type: single nucleotide variant.
Coding change: c.2383C>T on transcript NM_024675.4 (MANE Select); coding-DNA position 2383, C replaced by T.
Protein change: p.Gln795Ter; replaces glutamine 795 with a stop codon.
Molecular consequence: nonsense.
Genome position (GRCh38, 1-based): chr16:23,629,771, G>A on the plus strand (C>T on the coding strand, the complement: PALB2 is on the minus strand). VCF-style: chr16-23629771-G-A. GRCh37 (hg19) VCF-style: chr16-23641092-G-A.
Other names: c.2383C>T (NM_024675.3); short protein forms Q795*.
Identifiers: ClinVar variation 1454050 (VCV001454050.11), dbSNP rs1966856854, ClinGen allele CA395124615.

ClinVar aggregate classification (germline): Pathogenic. Review status: criteria provided, multiple submitters, no conflicts (2 of 4 stars). 2 submissions from 2 submitters: Pathogenic (2). Last evaluated 2023-04-07.

Conditions:
Hereditary cancer-predisposing syndrome. Also called: Tumor predisposition; Neoplastic Syndromes, Hereditary; Hereditary Cancer Syndrome; Hereditary neoplastic syndrome. Identifiers: Orphanet 140162, MedGen C0027672, MeSH D009386, MONDO:0015356.
Familial cancer of breast. Also called: Hereditary breast cancer; hereditary breast carcinoma; BREAST CANCER, FAMILIAL. Identifiers: Orphanet 227535, MedGen C0346153, MONDO:0016419, OMIM 114480. Disease mechanism: loss of function.

Submissions (3):

Labcorp Genetics (formerly Invitae), Labcorp
Classification: Pathogenic for Familial cancer of breast. Last evaluated: 2023-04-07. Review status: criteria provided, single submitter. Criteria: Invitae Variant Classification Sherloc (09022015). Collection method: clinical testing. Allele origin: germline.
Comment: This premature translational stop signal has been observed in individual(s) with breast cancer (PMID: 28724667). This sequence change creates a premature translational stop signal (p.Gln795*) in the PALB2 gene. It is expected to result in an absent or disrupted protein product. Loss-of-function variants in PALB2 are known to be pathogenic (PMID: 17200668, 17200671, 17200672, 24136930, 25099575). This variant is not present in population databases (gnomAD no frequency). ClinVar contains an entry for this variant (Variation ID: 1454050). Algorithms developed to predict the effect of sequence changes on RNA splicing suggest that this variant may create or strengthen a splice site. For these reasons, this variant has been classified as Pathogenic.

Ambry Genetics
Classification: Pathogenic for Hereditary cancer-predisposing syndrome. Last evaluated: 2022-08-15. Review status: criteria provided, single submitter. Criteria: Ambry Variant Classification Scheme 2023. Collection method: clinical testing. Allele origin: germline.
Comment: The p.Q795* variant (also known as c.2383C>T), located in coding exon 5 of the PALB2 gene, results from a C to T substitution at nucleotide position 2383. This changes the amino acid from a glutamine to a stop codon within coding exon 5. This alteration was detected in a cohort of 8085 consecutive unselected Chinese breast cancer patients who underwent multi-gene panel testing. (Sun J et al. Clin Cancer Res, 2017 Oct;23:6113-6119). This variant is considered to be rare based on population cohorts in the Genome Aggregation Database (gnomAD). In addition to the clinical data presented in the literature, this alteration is expected to result in loss of function by premature protein truncation or nonsense-mediated mRNA decay. As such, this alteration is interpreted as a disease-causing mutation.

Dr. Peter K. Rogan Lab, Western University
No classification provided (evidence only). Condition: Uterine corpus endometrial carcinoma. Review status: no classification provided. Collection method: in vitro. Allele origin: not applicable. Functional consequence: retained intron. Not counted in ClinVar's aggregate classification.

Literature cited by the submitters: PubMed 28724667 (cited by Labcorp Genetics (formerly Invitae), Labcorp and Ambry Genetics); PubMed 17200668 (cited by Labcorp Genetics (formerly Invitae), Labcorp); PubMed 17200671 (cited by Labcorp Genetics (formerly Invitae), Labcorp); PubMed 17200672 (cited by Labcorp Genetics (formerly Invitae), Labcorp); PubMed 24136930 (cited by Labcorp Genetics (formerly Invitae), Labcorp); PubMed 25099575 (cited by Labcorp Genetics (formerly Invitae), Labcorp).